The following is an entry in ClinVar:

NM_020347.4(LZTFL1):c.893A>T (p.Glu298Val)

Gene: LZTFL1 (leucine zipper transcription factor like 1; minus strand). Cytogenetic location: 3p21.31.
Variant type: single nucleotide variant.
Coding change: c.893A>T on transcript NM_020347.4 (MANE Select); coding-DNA position 893, A replaced by T.
Protein change: p.Glu298Val; replaces glutamic acid 298 with valine.
Molecular consequence: missense variant. On other transcripts: 3 prime UTR variant (2), non-coding transcript variant (1).
Genome position (GRCh38, 1-based): chr3:45,826,321, T>A on the plus strand (A>T on the coding strand, the complement: LZTFL1 is on the minus strand). VCF-style: chr3-45826321-T-A. GRCh37 (hg19) VCF-style: chr3-45867813-T-A.
Other names: c.842A>T, p.Glu281Val (NM_001276378.2, NM_001386451.1, NM_001405922.1 and 1 more transcripts); c.*6A>T (NM_001276379.2, NM_001386452.1, NM_001405925.1 and 3 more transcripts); c.917A>T, p.Glu306Val (NM_001405920.1); c.881A>T, p.Glu294Val (NM_001405921.1); c.827A>T, p.Glu276Val (NM_001405924.1); short protein forms E276V, E306V, E281V, E294V, E298V.
Identifiers: ClinVar variation 1962314 (VCV001962314.5), dbSNP rs2529738475, ClinGen allele CA352446263.

ClinVar aggregate classification (germline): Uncertain significance (1 of 4 stars; one submission).

Allele frequency attached by ClinVar (database versions not stated): gnomAD exomes below 0.00001.
gnomAD v4.1: 1 of 1,612,334 alleles (0.000062%); highest among the groups gnomAD compares: Non-Finnish European, 0.000085%; no homozygotes.

Submission:

Labcorp Genetics (formerly Invitae), Labcorp
Classification: Uncertain significance. Last evaluated: 2022-05-10. Review status: criteria provided, single submitter. Criteria: Invitae Variant Classification Sherloc (09022015). Collection method: clinical testing. Allele origin: germline.
Comment: This sequence change replaces glutamic acid, which is acidic and polar, with valine, which is neutral and non-polar, at codon 298 of the LZTFL1 protein (p.Glu298Val). Algorithms developed to predict the effect of missense changes on protein structure and function are either unavailable or do not agree on the potential impact of this missense change (SIFT: "Deleterious"; PolyPhen-2: "Benign"; Align-GVGD: "Class C0"). This variant has not been reported in the literature in individuals affected with LZTFL1-related conditions. This variant is not present in population databases (gnomAD no frequency). In summary, the available evidence is currently insufficient to determine the role of this variant in disease. Therefore, it has been classified as a Variant of Uncertain Significance.